The following is an entry in ClinVar:

ClinVar aggregate classification (germline): Benign/Likely benign. Review status: criteria provided, multiple submitters, no conflicts (2 of 4 stars). 2 submissions from 2 submitters: Benign (1); Likely benign (1). Last evaluated 2026-06-05.

Conditions:
Gastrointestinal stromal tumor. Also called: Gastrointestinal stromal tumor, somatic; Gastrointestinal stroma tumor. Identifiers: Orphanet 44890, MedGen C0238198, MeSH D046152, MONDO:0011719, OMIM 606764, HP:0100723.

Submissions (2):

Myriad Genetics, Inc.
Classification: Benign for Gastrointestinal stromal tumor. Last evaluated: 2026-06-05. Review status: criteria provided, single submitter. Criteria: Myriad Autosomal Dominant, Autosomal Recessive and X-Linked Classification Criteria (2023). Collection method: clinical testing. Allele origin: unknown.
Comment: This variant is considered benign. This variant is a silent/synonymous amino acid change and it is not expected to impact splicing.

Labcorp Genetics (formerly Invitae), Labcorp
Classification: Likely benign for Gastrointestinal stromal tumor. Last evaluated: 2023-09-29. Review status: criteria provided, single submitter. Criteria: Invitae Variant Classification Sherloc (09022015). Collection method: clinical testing. Allele origin: germline.

NM_000222.3(KIT):c.2907T>C (p.Pro969=)

Gene: KIT (KIT proto-oncogene, receptor tyrosine kinase; plus strand). Cytogenetic location: 4q12.
Variant type: single nucleotide variant.
Coding change: c.2907T>C on transcript NM_000222.3 (MANE Select); coding-DNA position 2907, T replaced by C.
Protein change: p.Pro969=; no amino-acid change (proline 969 retained).
Molecular consequence: synonymous variant.
Genome position (GRCh38, 1-based): chr4:54,738,533, T>C. VCF-style: chr4-54738533-T-C. GRCh37 (hg19) VCF-style: chr4-55604699-T-C.
Other names: c.2895T>C, p.Pro965= (NM_001093772.2, NM_001385292.1); c.2910T>C, p.Pro970= (NM_001385284.1); c.2904T>C, p.Pro968= (NM_001385285.1); c.2892T>C, p.Pro964= (NM_001385286.1); c.2898T>C, p.Pro966= (NM_001385288.1); c.2907T>C, p.Pro969= (NM_001385290.1).
Identifiers: ClinVar variation 2752465 (VCV002752465.4), dbSNP rs2109819376, ClinGen allele CA439292287.
Genomic context (GRCh38, chr4:54,738,533, plus strand): 5'-CGTGGTAGACCATTCTGTGCGGATCAATTCTGTCGGCAGCACCGCTTCCTCCTCCCAGCC[T>C]CTGCTTGTGCACGACGATGTCTGAGCAGAATCAGTGTTTGGGTCACCCCTCCAGGAATGA-3'
Protein context (NP_000213.1, residues 959-976): SVGSTASSSQ[Pro969=]LLVHDDV